The following is an entry in ClinVar:

NM_001267550.2(TTN):c.20837-2A>G

Genes: TTN (titin; minus strand), LOC126806428 (BRD4-independent group 4 enhancer GRCh37_chr2:179588362-179589561; plus strand). Cytogenetic location: 2q31.2.
Variant type: single nucleotide variant.
Coding change: c.20837-2A>G on transcript NM_001267550.2 (MANE Select); the canonical splice acceptor site of the intron before coding-DNA position 20837, A replaced by G.
Molecular consequence: splice acceptor variant. On other transcripts: intron variant (3).
Genome position (GRCh38, 1-based): chr2:178,724,540, T>C on the plus strand (A>G on the coding strand, the complement: TTN is on the minus strand). VCF-style: chr2-178724540-T-C. GRCh37 (hg19) VCF-style: chr2-179589267-T-C.
Other names: c.13858+13542A>G (NM_133437.4); c.13657+13542A>G (NM_133432.3); c.17105-2A>G (NM_133378.4); c.19886-2A>G (NM_001256850.1); c.13282+13542A>G (NM_003319.4).
Identifiers: ClinVar variation 1722475 (VCV001722475.3), dbSNP rs2529633179, ClinGen allele CA349540274.
Genomic context (GRCh38, chr2:178,724,540, plus strand): 5'-GCACGTTTCTCCTACAGTCACCGTCATCGGTCCTGCCTTCTCAACAATGACTGCGGGCTC[T>C]GAAATAAAACGTGATATCCATCTGTCAAAGTCTGGGATCTTTACTCTGTCTCTACTATCA-3'

ClinVar aggregate classification (germline): Likely pathogenic (1 of 4 stars; one submission).

Conditions:
Primary familial dilated cardiomyopathy (FDC). Also called: Familial dilated cardiomyopathy; Hypokinetic dilated cardiomyopathy, familial. Identifiers: Orphanet 217607, MedGen C0340427, MONDO:0016333.

Allele frequency attached by ClinVar (database versions not stated): gnomAD exomes below 0.00001.
gnomAD v4.1: 3 of 1,577,750 alleles (0.00019%); highest among the groups gnomAD compares: Non-Finnish European, 0.00026%; no homozygotes.

Submission:

Women's Health and Genetics/Laboratory Corporation of America, LabCorp
Classification: Likely pathogenic for Primary familial dilated cardiomyopathy. Last evaluated: 2025-01-16. Review status: criteria provided, single submitter. Criteria: LabCorp Variant Classification Summary - May 2015. Collection method: clinical testing. Allele origin: germline.
Comment: Variant summary: TTN NM_133378: c.17105-2A>G (also known as NM_001267550: c.20837-2A>G) is located in a canonical splice-site and is predicted to affect mRNA splicing resulting in a significantly altered protein due to either exon skipping, shortening, or inclusion of intronic material. Several computational tools predict a significant impact on normal splicing: Four predict the variant abolishes a 3 acceptor site. However, these predictions have yet to be confirmed by functional studies. Variants that disrupt the consensus splice site are a relatively common cause of aberrant splicing and loss of TTN function. Loss of function variants in all TTN bands are strongly associated with a spectrum of autosomal recessive titinopathies when exon expression (proportion spliced in, PSI, 1=complete expression) in skeletal muscle is >0.1 (PMID: 36977548, 39198997, 29598826, 32778822, 29691892, 33449170, 36977548, internal data). In contrast, loss of function variants in all TTN bands are only strongly associated with autosomal dominant TTN-related cardiomyopathies if located in exons constitutively expressed (PSI >0.9) in cardiac muscle, excluding extreme C-terminal exons 359-363 (PMID: 25589632, 31216868, 32964742, 34662387, 27869827, Shetty et al., Nat Cardiovasc Res 2024,, internal data). This variant has a maximum skeletal muscle PSI of 0.958 and a maximum cardiac muscle PSI of 0.385. The variant was absent in 218354 control chromosomes. To our knowledge, no occurrence of c.17105-2A>G in individuals affected with TTN-related conditions and no experimental evidence demonstrating its impact on protein function have been reported. ClinVar contains an entry for this variant (Variation ID: 1722475). Based on the evidence outline above, the variant has been classified as likely pathogenic for autosomal recessive TTN-related conditions.